The following is an entry in ClinVar:

NM_178827.5(IQUB):c.692C>G (p.Thr231Ser)

Gene: IQUB (IQ motif and ubiquitin domain containing; minus strand). Cytogenetic location: 7q31.32.
Variant type: single nucleotide variant.
Coding change: c.692C>G on transcript NM_178827.5 (MANE Select); coding-DNA position 692, C replaced by G.
Protein change: p.Thr231Ser; replaces threonine 231 with serine.
Molecular consequence: missense variant. On other transcripts: non-coding transcript variant (2).
Genome position (GRCh38, 1-based): chr7:123,503,204, G>C on the plus strand (C>G on the coding strand, the complement: IQUB is on the minus strand). VCF-style: chr7-123503204-G-C. GRCh37 (hg19) VCF-style: chr7-123143258-G-C.
Other names: c.692C>G, p.Thr231Ser (NM_001282855.2, NM_001321293.2); short protein forms T231S.
Identifiers: ClinVar variation 3389912 (VCV003389912.14).

ClinVar aggregate classification (germline): Uncertain significance (1 of 4 stars; one submission).

gnomAD v4.1: 2 of 1,611,138 alleles (0.00012%); highest among the groups gnomAD compares: Non-Finnish European, 0.00017%; no homozygotes.

Submission:

CeGaT Center for Human Genetics Tuebingen
Classification: Uncertain significance. Last evaluated: 2024-10-01. Review status: criteria provided, single submitter. Criteria: CeGaT Center For Human Genetics Tuebingen Variant Classification Criteria Version 2. Collection method: clinical testing. Allele origin: germline. Affected: yes. Observed: 1 variant allele.
Comment: IQUB: PM2, BP4